The following is an entry in ClinVar:

ClinVar aggregate classification (germline): Uncertain significance. Review status: criteria provided, multiple submitters, no conflicts (2 of 4 stars). 2 submissions from 2 submitters: Uncertain significance (2). Last evaluated 2025-12-18.

Conditions:
Inborn genetic diseases. Identifiers: MedGen C0950123, MeSH D030342.
Fanconi anemia (FA). Also called: Fanconi's anemia. Identifiers: Orphanet 84, MedGen C0015625, MeSH D005199, MONDO:0019391.

Allele frequency attached by ClinVar (database versions not stated): ExAC 0.00001; gnomAD 0.00001; TOPMed 0.00001.
gnomAD v4.1: 15 of 1,613,346 alleles (0.00093%); highest among the groups gnomAD compares: African/African-American, 0.0013%; no homozygotes.

Submissions (2):

Ambry Genetics
Classification: Uncertain significance for Inborn genetic diseases. Last evaluated: 2025-12-18. Review status: criteria provided, single submitter. Criteria: Ambry Variant Classification Scheme 2023. Collection method: clinical testing. Allele origin: germline.
Comment: The p.S844C variant (also known as c.2531C>G), located in coding exon 27 of the FANCA gene, results from a C to G substitution at nucleotide position 2531. The serine at codon 844 is replaced by cysteine, an amino acid with dissimilar properties. This amino acid position is conserved. In addition, this alteration is predicted to be tolerated by in silico analysis. Based on the available evidence, the clinical significance of this variant remains unclear.

Labcorp Genetics (formerly Invitae), Labcorp
Classification: Uncertain significance for Fanconi anemia. Last evaluated: 2024-02-05. Review status: criteria provided, single submitter. Criteria: Invitae Variant Classification Sherloc (09022015). Collection method: clinical testing. Allele origin: germline.
Comment: This sequence change replaces serine, which is neutral and polar, with cysteine, which is neutral and slightly polar, at codon 844 of the FANCA protein (p.Ser844Cys). This variant is present in population databases (rs745511608, gnomAD 0.004%). This variant has not been reported in the literature in individuals affected with FANCA-related conditions. ClinVar contains an entry for this variant (Variation ID: 2139790). Advanced modeling of protein sequence and biophysical properties (such as structural, functional, and spatial information, amino acid conservation, physicochemical variation, residue mobility, and thermodynamic stability) performed at Invitae indicates that this missense variant is not expected to disrupt FANCA protein function with a negative predictive value of 80%. In summary, the available evidence is currently insufficient to determine the role of this variant in disease. Therefore, it has been classified as a Variant of Uncertain Significance.

NM_000135.4(FANCA):c.2531C>G (p.Ser844Cys)

Gene: FANCA (FA complementation group A; minus strand). Cytogenetic location: 16q24.3.
Variant type: single nucleotide variant.
Coding change: c.2531C>G on transcript NM_000135.4 (MANE Select); coding-DNA position 2531, C replaced by G.
Protein change: p.Ser844Cys; replaces serine 844 with cysteine.
Molecular consequence: missense variant.
Genome position (GRCh38, 1-based): chr16:89,767,211, G>C on the plus strand (C>G on the coding strand, the complement: FANCA is on the minus strand). VCF-style: chr16-89767211-G-C. GRCh37 (hg19) VCF-style: chr16-89833619-G-C.
Other names: c.2531C>G, p.Ser844Cys (NM_001286167.3); short protein forms S844C.
Identifiers: ClinVar variation 2139790 (VCV002139790.4), dbSNP rs745511608, ClinGen allele CA8251682.